The following is an entry in ClinVar:

NM_000094.4(COL7A1):c.923T>C (p.Ile308Thr)

Gene: COL7A1 (collagen type VII alpha 1 chain; minus strand). Cytogenetic location: 3p21.31.
Variant type: single nucleotide variant.
Coding change: c.923T>C on transcript NM_000094.4 (MANE Select); coding-DNA position 923, T replaced by C.
Protein change: p.Ile308Thr; replaces isoleucine 308 with threonine.
Molecular consequence: missense variant.
Genome position (GRCh38, 1-based): chr3:48,592,623, A>G on the plus strand (T>C on the coding strand, the complement: COL7A1 is on the minus strand). VCF-style: chr3-48592623-A-G. GRCh37 (hg19) VCF-style: chr3-48630056-A-G.
Other names: short protein forms I308T.
Identifiers: ClinVar variation 345879 (VCV000345879.14), dbSNP rs145738101, ClinGen allele CA2381402.

ClinVar aggregate classification (germline): Conflicting classifications of pathogenicity. Review status: criteria provided, conflicting classifications (1 of 4 stars). 4 submissions from 4 submitters: Uncertain significance (1); Likely benign (2). 1 of the submissions does not count toward it. Last evaluated 2026-01-25.

Conditions:
Epidermolysis bullosa dystrophica. Also called: Dystrophic epidermolysis bullosa, Hallopeau-Siemens type (formerly); Dystrophic epidermolysis bullosa. Identifiers: Orphanet 303, MedGen C0079294, MONDO:0006543.

Allele frequency attached by ClinVar (database versions not stated): ESP Exome Variant Server 0.00015; gnomAD 0.00021; TOPMed 0.00014; gnomAD exomes 0.00027; ExAC 0.00033.
gnomAD v4.1: 419 of 1,613,892 alleles (0.026%); highest among the groups gnomAD compares: Non-Finnish European, 0.033%; no homozygotes.

Submissions (4):

Labcorp Genetics (formerly Invitae), Labcorp
Classification: Likely benign. Last evaluated: 2026-01-25. Review status: criteria provided, single submitter. Criteria: Invitae Variant Classification Sherloc (09022015). Collection method: clinical testing. Allele origin: germline.

Laboratory of Genetics, Children's Clinical University Hospital Latvia
Classification: Likely benign. Last evaluated: 2025-02-16. Review status: criteria provided, single submitter. Criteria: ACMG Guidelines, 2015. Collection method: clinical testing. Allele origin: germline. Affected: yes.

Illumina Laboratory Services, Illumina
Classification: Uncertain significance for Dystrophic epidermolysis bullosa. Last evaluated: 2018-01-12. Review status: criteria provided, single submitter. Criteria: ICSL Variant Classification Criteria 13 December 2019. Collection method: clinical testing. Allele origin: germline.

Department of Pathology and Laboratory Medicine, Sinai Health System
Classification: Uncertain significance. Review status: no assertion criteria provided. Collection method: clinical testing. Allele origin: unknown. Affected: yes. Study: The Canadian Open Genetics Repository (COGR). Not counted in ClinVar's aggregate classification.
Comment: The COL7A1 p.Ile308Thr variant was not identified in the literature but was identified in dbSNP (ID: rs145738101) and ClinVar (classified as uncertain significance by Illumina for Dystrophic Epidermolysis Bullosa). The variant was identified in control databases in 85 of 282748 chromosomes at a frequency of 0.0003006 (Genome Aggregation Database March 6, 2019, v2.1.1). The variant was observed in the following populations: European (non-Finnish) in 77 of 129104 chromosomes (freq: 0.000596), Other in 1 of 7226 chromosomes (freq: 0.000138), European (Finnish) in 3 of 25096 chromosomes (freq: 0.00012) and Latino in 4 of 35436 chromosomes (freq: 0.000113), but was not observed in the African, Ashkenazi Jewish, East Asian, or South Asian populations. The p.Ile308 residue is not conserved in mammals and computational analyses (PolyPhen-2, SIFT, AlignGVGD, BLOSUM, MutationTaster) do not suggest a high likelihood of impact to the protein; however, this information is not predictive enough to rule out pathogenicity. The variant occurs outside of the splicing consensus sequence and in silico or computational prediction software programs (SpliceSiteFinder, MaxEntScan, NNSPLICE, GeneSplicer) do not predict a difference in splicing. In summary, based on the above information the clinical significance of this variant cannot be determined with certainty at this time. This variant is classified as a variant of uncertain significance.